The following is an entry in ClinVar:

ClinVar aggregate classification (germline): Uncertain significance (1 of 4 stars; one submission).

Conditions:
Familial thoracic aortic aneurysm and aortic dissection (TAAD). Also called: Thoracic aortic aneurysms and dissections. Identifiers: Orphanet 91387, MedGen C4707243, MONDO:0019625.

Submission:

Ambry Genetics
Classification: Uncertain significance for Familial thoracic aortic aneurysm and aortic dissection. Last evaluated: 2025-06-16. Review status: criteria provided, single submitter. Criteria: Ambry Variant Classification Scheme 2023. Collection method: clinical testing. Allele origin: germline.
Comment: The p.E383D variant (also known as c.1149G>T), located in coding exon 7 of the NOTCH1 gene, results from a G to T substitution at nucleotide position 1149. The glutamic acid at codon 383 is replaced by aspartic acid, an amino acid with highly similar properties. This amino acid position is conserved. In addition, this alteration is predicted to be tolerated by in silico analysis. Based on the available evidence, the clinical significance of this variant remains unclear.

NM_017617.5(NOTCH1):c.1149G>T (p.Glu383Asp)

Gene: NOTCH1 (notch receptor 1; minus strand). Cytogenetic location: 9q34.3.
Variant type: single nucleotide variant.
Coding change: c.1149G>T on transcript NM_017617.5 (MANE Select); coding-DNA position 1149, G replaced by T.
Protein change: p.Glu383Asp; replaces glutamic acid 383 with aspartic acid.
Molecular consequence: missense variant.
Genome position (GRCh38, 1-based): chr9:136,518,243, C>A on the plus strand (G>T on the coding strand, the complement: NOTCH1 is on the minus strand). VCF-style: chr9-136518243-C-A. GRCh37 (hg19) VCF-style: chr9-139412695-C-A.
Other names: short protein forms E383D.
Identifiers: ClinVar variation 4121637 (VCV004121637.1).